The following is an entry in ClinVar:

NM_001365999.1(SZT2):c.527C>G (p.Pro176Arg)

Gene: SZT2 (SZT2 subunit of KICSTOR complex; plus strand). Cytogenetic location: 1p34.2.
Variant type: single nucleotide variant.
Coding change: c.527C>G on transcript NM_001365999.1 (MANE Select); coding-DNA position 527, C replaced by G.
Protein change: p.Pro176Arg; replaces proline 176 with arginine.
Molecular consequence: missense variant.
Genome position (GRCh38, 1-based): chr1:43,415,110, C>G. VCF-style: chr1-43415110-C-G. GRCh37 (hg19) VCF-style: chr1-43880781-C-G.
Other names: c.527C>G, p.Pro176Arg (NM_015284.4); c.527C>G (NM_015284.3); short protein forms P176R.
Identifiers: ClinVar variation 1468983 (VCV001468983.6), dbSNP rs758767291, ClinGen allele CA340000731.

ClinVar aggregate classification (germline): Uncertain significance. Review status: criteria provided, multiple submitters, no conflicts (2 of 4 stars). 3 submissions from 3 submitters: Uncertain significance (3). Last evaluated 2023-04-11.

Conditions:
Inborn genetic diseases. Identifiers: MedGen C0950123, MeSH D030342.
Developmental and epileptic encephalopathy, 18 (DEE18). Also called: Early infantile epileptic encephalopathy 18. Identifiers: Orphanet 369894, MedGen C3809624, MONDO:0014201, OMIM 615476.

Allele frequency attached by ClinVar (database versions not stated): gnomAD 0.00001; TOPMed 0.00002.
gnomAD v4.1: 1 of 1,597,944 alleles (0.000063%); highest among the groups gnomAD compares: African/African-American, 0.0013%; no homozygotes.

Submissions (3):

Genome-Nilou Lab
Classification: Uncertain significance for Developmental and epileptic encephalopathy, 18. Last evaluated: 2023-04-11. Review status: criteria provided, single submitter. Criteria: ACMG Guidelines, 2015. Collection method: clinical testing. Allele origin: germline. Affected: no.

Labcorp Genetics (formerly Invitae), Labcorp
Classification: Uncertain significance. Last evaluated: 2021-10-27. Review status: criteria provided, single submitter. Criteria: Invitae Variant Classification Sherloc (09022015). Collection method: clinical testing. Allele origin: germline.
Comment: In summary, the available evidence is currently insufficient to determine the role of this variant in disease. Therefore, it has been classified as a Variant of Uncertain Significance. This sequence change replaces proline, a(n) neutral and non-polar amino acid, with arginine, a(n) basic and polar amino acid, at codon 176 of the SZT2 protein (p.Pro176Arg). The frequency data for this variant in the population databases is considered unreliable, as metrics indicate poor data quality at this position in the gnomAD database. This variant has not been reported in the literature in individuals affected with SZT2-related conditions. Algorithms developed to predict the effect of missense changes on protein structure and function are either unavailable or do not agree on the potential impact of this missense change (SIFT: "Tolerated"; PolyPhen-2: "Possibly Damaging"; Align-GVGD: "Class C0").

Ambry Genetics
Classification: Uncertain significance for Inborn genetic diseases. Last evaluated: 2021-09-21. Review status: criteria provided, single submitter. Criteria: Ambry Variant Classification Scheme 2023. Collection method: clinical testing. Allele origin: germline.